The following is an entry in ClinVar:

NM_000441.2(SLC26A4):c.279del (p.Ser93fs)

Gene: SLC26A4 (solute carrier family 26 member 4; plus strand). Cytogenetic location: 7q22.3.
Variant type: Deletion.
Coding change: c.279del on transcript NM_000441.2 (MANE Select); coding-DNA position 279, one base deleted (T; older notation c.279delT).
Protein change: p.Ser93fs; shifts the reading frame from serine 93.
Molecular consequence: frameshift variant.
Genome position (GRCh38, 1-based): chr7:107,663,410, T deleted. VCF-style (leftmost placement, unchanged base first): chr7-107663409-GT-G. GRCh37 (hg19) VCF-style: chr7-107303854-GT-G.
Other names: c.279del (NM_000441.1); short protein forms S93fs.
Identifiers: ClinVar variation 188715 (VCV000188715.32), dbSNP rs786204421, ClinGen allele CA273880.

ClinVar aggregate classification (germline): Pathogenic/Likely pathogenic. Review status: criteria provided, multiple submitters, no conflicts (2 of 4 stars). 12 submissions from 12 submitters: Pathogenic (9); Likely pathogenic (1). 2 of the submissions do not count toward it. Last evaluated 2026-04-28.

Conditions:
SLC26A4-related disorder. Also called: SLC26A4-related condition; SLC26A4-related disorders.
Pendred syndrome (PDS). Also called: THYROID DYSHORMONOGENESIS 2B; THYROID HORMONOGENESIS, GENETIC DEFECT IN, 2B; DEAFNESS WITH GOITER; GOITER-DEAFNESS SYNDROME; HYPOTHYROIDISM, CONGENITAL, DUE TO DYSHORMONOGENESIS, 2B; Pendred's syndrome. Identifiers: Orphanet 705, MedGen C0271829, MONDO:0010134, OMIM 274600.
Autosomal recessive nonsyndromic hearing loss 4 (DFNB4). Also called: Nonsyndromic enlarged vestibular aqueduct (NSEVA); NEUROSENSORY NONSYNDROMIC RECESSIVE DEAFNESS 4; Deafness, autosomal recessive 4, with enlarged vestibular aqueduct; Deafness, autosomal recessive 4; Enlarged vestibular aqueduct, digenic; FOXI1-Related Pendred Syndrome. Identifiers: Orphanet 90636, MedGen C3538946, MONDO:0010933, OMIM 600791.

Allele frequency attached by ClinVar (database versions not stated): gnomAD exomes below 0.00001; gnomAD 0.00004; TOPMed 0.00008.

Submissions (12):

Dasa
Classification: Pathogenic. Last evaluated: 2026-04-28. Review status: criteria provided, single submitter. Criteria: DASA Assertion Criteria. Collection method: clinical testing. Allele origin: germline.
Comment: NM_000441.2(SLC26A4):c.279del (p.Ser93Argfs*4) introduces a premature termination codon predicted to result in loss of normal protein function. Loss-of-function is an established mechanism of disease for this gene. This variant has been recurrently observed in affected individuals with related phenotype in a genotype context consistent with recessive disease (PMID: 9920104; PMID: 23273637). The variant is present at low frequency in population datasets. Based on the available data, this variant is classified as pathogenic.

PreventionGenetics, part of Exact Sciences
Classification: Pathogenic for SLC26A4-related condition. Last evaluated: 2026-04-01. Review status: criteria provided, single submitter. Criteria: ACMG Guidelines, 2015. Collection method: clinical testing. Allele origin: germline.
Comment: The SLC26A4 c.279delT variant is predicted to result in a frameshift and premature protein termination (p.Ser93Argfs*4). This variant has been reported in the homozygous or compound heterozygous states in patients with Pendred syndrome (Kopp et al.1999. PubMed ID: 9920104; Camargo et al. 2001. PubMed ID: 11716048; Pera et al. 2008. PubMed ID: 18285825; Palos et al. 2007. PubMed ID: 17940114). This variant is considered to be a founder variant in the Galician population of Spain (Palos et al. 2007. PubMed ID: 17940114). This variant has not been reported in a large population database, indicating that it is rare. Frameshift variants in SLC26A4 are expected to be pathogenic. This variant is interpreted as pathogenic.

GeneDx
Classification: Pathogenic. Last evaluated: 2025-06-10. Review status: criteria provided, single submitter. Criteria: GeneDx Variant Classification Process June 2021. Collection method: clinical testing. Allele origin: germline. Affected: yes.
Comment: Frameshift variant predicted to result in protein truncation or nonsense mediated decay in a gene for which loss-of-function is a known mechanism of disease; Not observed at significant frequency in large population cohorts (gnomAD); This variant is associated with the following publications: (PMID: 11317356, 11716048, 23273637, 18285825, 14679580, 17940114, 31589614, 26752218, 9920104)

Natera, Inc.
Classification: Pathogenic for Pendred syndrome. Last evaluated: 2025-01-16. Review status: criteria provided, single submitter. Criteria: Natera Variant Classification Schema (03/2026). Collection method: clinical testing. Allele origin: germline.
Comment: The c.279delT variant in SLC26A4 is a frameshift variant predicted to shift the reading frame beginning at codon 93 and leads to a stop codon 4 codons downstream. This variant is expected to result in nonsense mediated decay, truncation, or a dysfunctional protein product. This variant is rare in the general population with a frequency below the threshold expected for the associated phenotype(s). This variant has been observed in one or more individuals affected with the associated recessive disease, as either homozygous or compound heterozygous with a second variant (PMID: 11716048). Additionally, this variant has been observed to segregate in affected family members (PMID: 11716048). Given the available evidence, this variant is classified as Pathogenic.

Fulgent Genetics
Classification: Pathogenic for Pendred syndrome; Autosomal recessive nonsyndromic hearing loss 4. Last evaluated: 2024-03-31. Review status: criteria provided, single submitter. Criteria: ACMG Guidelines, 2015. Collection method: clinical testing. Allele origin: germline.

Baylor Genetics
Classification: Pathogenic for Autosomal recessive nonsyndromic hearing loss 4. Last evaluated: 2024-03-21. Review status: criteria provided, single submitter. Criteria: ACMG Guidelines, 2015. Collection method: clinical testing. Allele origin: unknown.

Labcorp Genetics (formerly Invitae), Labcorp
Classification: Pathogenic. Last evaluated: 2024-03-09. Review status: criteria provided, single submitter. Criteria: Invitae Variant Classification Sherloc (09022015). Collection method: clinical testing. Allele origin: germline.
Comment: This sequence change creates a premature translational stop signal (p.Ser93Argfs*4) in the SLC26A4 gene. It is expected to result in an absent or disrupted protein product. Loss-of-function variants in SLC26A4 are known to be pathogenic (PMID: 16283880, 25394566, 26252218, 26445815). This variant is present in population databases (rs786204421, gnomAD 0.003%). This premature translational stop signal has been observed in individuals with Pendred syndrome (PMID: 9920104, 11716048, 23273637). It has also been observed to segregate with disease in related individuals. ClinVar contains an entry for this variant (Variation ID: 188715). For these reasons, this variant has been classified as Pathogenic.

Genome-Nilou Lab
Classification: Pathogenic for Pendred syndrome. Last evaluated: 2021-09-05. Review status: criteria provided, single submitter. Criteria: ACMG Guidelines, 2015. Collection method: clinical testing. Allele origin: germline. Affected: no.

Blueprint Genetics
Classification: Likely pathogenic for SLC26A4-related disorders. Last evaluated: 2020-01-17. Review status: criteria provided, single submitter. Criteria: ACMG Guidelines, 2015. Collection method: clinical testing. Allele origin: germline. Affected: yes. Observed: 1 variant allele.

ARUP Laboratories, Molecular Genetics and Genomics, ARUP Laboratories
Classification: Pathogenic. Last evaluated: 2017-02-09. Review status: criteria provided, single submitter. Criteria: ARUP Molecular Germline Variant Investigation Process. Collection method: clinical testing. Allele origin: germline.

Counsyl
Classification: Likely pathogenic for Pendred's syndrome. Last evaluated: 2014-03-06. Review status: no assertion criteria provided. Collection method: literature only. Allele origin: unknown. Inheritance: Autosomal recessive inheritance. Not counted in ClinVar's aggregate classification.

OMIM
Classification: Pathogenic for PENDRED SYNDROME. Last evaluated: 2008-01-01. Review status: no assertion criteria provided. Collection method: literature only. Allele origin: germline. Not counted in ClinVar's aggregate classification.

Literature cited by the submitters: PubMed 9920104 (cited by 4 submitters); PubMed 23273637 (cited by 3 submitters); PubMed 11716048 (cited by Natera, Inc. and Labcorp Genetics (formerly Invitae), Labcorp); PubMed 16283880 (cited by Labcorp Genetics (formerly Invitae), Labcorp); PubMed 25394566 (cited by Labcorp Genetics (formerly Invitae), Labcorp); PubMed 26252218 (cited by Labcorp Genetics (formerly Invitae), Labcorp); PubMed 26445815 (cited by Labcorp Genetics (formerly Invitae), Labcorp); PubMed 17940114 (cited by Counsyl and OMIM); PubMed 18285825 (cited by Counsyl).